The following is an entry in ClinVar:

NM_198880.3(QRICH1):c.2281dup (p.Arg761fs)

Gene: QRICH1 (glutamine rich 1; minus strand). Cytogenetic location: 3p21.31.
Variant type: Duplication.
Coding change: c.2281dup on transcript NM_198880.3 (MANE Select); coding-DNA position 2281, one base duplicated (A; older notation c.2281dupA).
Protein change: p.Arg761fs; shifts the reading frame from arginine 761.
Molecular consequence: frameshift variant.
Genome position (GRCh38, 1-based): chr3:49,030,502, T duplicated on the plus strand (A on the coding strand, the reverse complement: QRICH1 is on the minus strand); the first of 2 consecutive T bases (chr3:49,030,502-49,030,503); duplicating either gives the same sequence. VCF-style (leftmost placement, unchanged base first): chr3-49030501-C-CT. GRCh37 (hg19) VCF-style: chr3-49067934-C-CT.
Other names: c.2281dup, p.Arg761fs (NM_001320580.2, NM_001320581.2, NM_001320582.2 and 4 more transcripts); short protein forms R761fs.
Identifiers: ClinVar variation 3764469 (VCV003764469.1).

ClinVar aggregate classification (germline): Uncertain significance (1 of 4 stars; one submission).

Submission:

GeneDx
Classification: Uncertain significance. Last evaluated: 2024-08-20. Review status: criteria provided, single submitter. Criteria: GeneDx Variant Classification Process June 2021. Collection method: clinical testing. Allele origin: germline. Affected: yes.
Comment: Not observed at significant frequency in large population cohorts (gnomAD); Frameshift variant predicted to result in abnormal protein length as the last 16 amino acids are replaced with 37 different amino acids; Has not been previously published as pathogenic or benign to our knowledge